The following is an entry in ClinVar:

NM_000493.4(COL10A1):c.257del (p.Gly86fs)

Genes: COL10A1 (collagen type X alpha 1 chain; minus strand), NT5DC1 (5'-nucleotidase domain containing 1; plus strand). Cytogenetic location: 6q22.1.
Variant type: Deletion.
Coding change: c.257del on transcript NM_000493.4 (MANE Select); coding-DNA position 257, one base deleted (G; older notation c.257delG).
Protein change: p.Gly86fs; shifts the reading frame from glycine 86.
Molecular consequence: frameshift variant. On other transcripts: intron variant (1).
Genome position (GRCh38, 1-based): chr6:116,121,859, C deleted on the plus strand (G on the coding strand, the reverse complement: COL10A1 is on the minus strand); the first of 2 consecutive C bases (chr6:116,121,859-116,121,860); deleting either gives the same sequence. VCF-style (leftmost placement, unchanged base first): chr6-116121858-TC-T. GRCh37 (hg19) VCF-style: chr6-116443021-TC-T.
Other names: c.257del, p.Gly86fs (NM_001424106.1, NM_001424107.1); c.529+3915del (NM_152729.3); short protein forms G86fs.
Identifiers: ClinVar variation 4527209 (VCV004527209.1).

ClinVar aggregate classification (germline): Uncertain significance (1 of 4 stars; one submission).

Submission:

GeneDx
Classification: Uncertain significance. Last evaluated: 2025-05-01. Review status: criteria provided, single submitter. Criteria: GeneDx Variant Classification Process June 2021. Collection method: clinical testing. Allele origin: germline. Affected: yes.
Comment: Not observed at significant frequency in large population cohorts (gnomAD); Frameshift variant predicted to result in abnormal protein length as the last 595 amino acids are replaced with 19 different amino acids; Has not been previously published as pathogenic or benign to our knowledge